The following is an entry in ClinVar:

NM_006393.3(NEBL):c.2519-209G>T

Gene: NEBL (nebulette; minus strand). Cytogenetic location: 10p12.31.
Variant type: single nucleotide variant.
Coding change: c.2519-209G>T on transcript NM_006393.3 (MANE Select); 209 bases into the intron before coding-DNA position 2519, G replaced by T.
Molecular consequence: intron variant.
Genome position (GRCh38, 1-based): chr10:20,810,107, C>A on the plus strand (G>T on the coding strand, the complement: NEBL is on the minus strand). VCF-style: chr10-20810107-C-A. GRCh37 (hg19) VCF-style: chr10-21099036-C-A.
Other names: c.421+2662G>T (NM_001377326.1, NM_001377327.1, NM_001377328.1); c.529+2662G>T (NM_213569.2, NM_001173484.2); c.530-209G>T (NM_001377322.1); c.472+2662G>T (NM_001377324.1); c.463+2662G>T (NM_001377325.1); c.481+2662G>T (NM_001377323.1).
Identifiers: ClinVar variation 672884 (VCV000672884.1), dbSNP rs80182205, ClinGen allele CA204162374.
Genomic context (GRCh38, chr10:20,810,107, plus strand): 5'-GCTGCTGACTTCAGAAGAGAATGAAAAAATACTTGCTTTCACAAGTATCTGTTAAGAAAT[C>A]TTTGTAATCAGATTGAAGTTGCCTGCTCTATTCATTGAGCTGCCCTATCAGACCTTGCTG-3'

ClinVar aggregate classification (germline): Benign (1 of 4 stars; one submission).

Allele frequency attached by ClinVar (database versions not stated): 1000 Genomes Project 0.01657; 1000 Genomes Project 30x 0.01702; TOPMed 0.01739.
gnomAD v4.1: 2,305 of 152,200 alleles (1.5%); highest among the groups gnomAD compares: African/African-American, 5.3%; 57 homozygotes.

Submission:

GeneDx
Classification: Benign. Last evaluated: 2018-06-16. Review status: criteria provided, single submitter. Criteria: GeneDx Variant Classification (06012015). Collection method: clinical testing. Allele origin: germline. Affected: yes.
Comment: This variant is considered likely benign or benign based on one or more of the following criteria: it is a conservative change, it occurs at a poorly conserved position in the protein, it is predicted to be benign by multiple in silico algorithms, and/or has population frequency not consistent with disease.